The following is an entry in ClinVar:

NM_000391.4(TPP1):c.886+5del

Gene: TPP1 (tripeptidyl peptidase 1; minus strand). Cytogenetic location: 11p15.4.
Variant type: Deletion.
Coding change: c.886+5del on transcript NM_000391.4 (MANE Select); 5 bases into the intron after coding-DNA position 886, one base deleted (T; older notation c.886+5delT).
Molecular consequence: intron variant.
Genome position (GRCh38, 1-based): chr11:6,616,656, A deleted on the plus strand (T on the coding strand, the reverse complement: TPP1 is on the minus strand). VCF-style (leftmost placement, unchanged base first): chr11-6616655-TA-T. GRCh37 (hg19) VCF-style: chr11-6637886-TA-T.
Identifiers: ClinVar variation 1016568 (VCV001016568.5), dbSNP rs1855590004, ClinGen allele CA1950237081.
Genomic context (GRCh38, chr11:6,616,655, plus strand): 5'-TGAGGGAGCAGGGATCAACACCCATCTCCCACCCCCTTCCCCACTGTCCAGTCCTCTTGG[TA>T]GTACCAGGGCTACTGTAGACCCAGGTGGAGATGTTGGCACCAGCACTCATCAGGTACTGC-3'

ClinVar aggregate classification (germline): Uncertain significance. Review status: criteria provided, single submitter (1 of 4 stars). 2 submissions from 2 submitters: Uncertain significance (1). 1 of the submissions does not count toward it. Last evaluated 2022-01-07.

Conditions:
Neuronal ceroid lipofuscinosis 2. Also called: JANSKY-BIELSCHOWSKY DISEASE NEURONAL CEROID LIPOFUSCINOSIS, LATE INFANTILE; TPP1-Related Neuronal Ceroid-Lipofuscinosis. Identifiers: Orphanet 168491, Orphanet 228349, Orphanet 79264, MedGen C1876161, MONDO:0008769, OMIM 204500.

Allele frequency attached by ClinVar (database versions not stated): gnomAD exomes below 0.00001.

Submissions (2):

Labcorp Genetics (formerly Invitae), Labcorp
Classification: Uncertain significance. Last evaluated: 2022-01-07. Review status: criteria provided, single submitter. Criteria: Invitae Variant Classification Sherloc (09022015). Collection method: clinical testing. Allele origin: germline.
Comment: This sequence change falls in intron 7 of the TPP1 gene. It does not directly change the encoded amino acid sequence of the TPP1 protein. It affects a nucleotide within the consensus splice site. This variant is not present in population databases (gnomAD no frequency). This variant has not been reported in the literature in individuals affected with TPP1-related conditions. ClinVar contains an entry for this variant (Variation ID: 1016568). Variants that disrupt the consensus splice site are a relatively common cause of aberrant splicing (PMID: 17576681, 9536098). Algorithms developed to predict the effect of sequence changes on RNA splicing suggest that this variant is not likely to affect RNA splicing. In summary, the available evidence is currently insufficient to determine the role of this variant in disease. Therefore, it has been classified as a Variant of Uncertain Significance.

Natera, Inc.
Classification: Uncertain significance for Neuronal ceroid lipofuscinosis 2. Last evaluated: 2021-02-18. Review status: no assertion criteria provided. Collection method: clinical testing. Allele origin: germline. Not counted in ClinVar's aggregate classification.

Literature cited by the submitters: PubMed 17576681 (cited by Labcorp Genetics (formerly Invitae), Labcorp); PubMed 9536098 (cited by Labcorp Genetics (formerly Invitae), Labcorp).